The following is an entry in ClinVar:

NM_138694.4(PKHD1):c.8798G>A (p.Gly2933Glu)

Gene: PKHD1 (PKHD1 ciliary IPT domain containing fibrocystin/polyductin; minus strand). Cytogenetic location: 6p12.3.
Variant type: single nucleotide variant.
Coding change: c.8798G>A on transcript NM_138694.4 (MANE Select); coding-DNA position 8798, G replaced by A.
Protein change: p.Gly2933Glu; replaces glycine 2933 with glutamic acid.
Molecular consequence: missense variant.
Genome position (GRCh38, 1-based): chr6:51,753,353, C>T on the plus strand (G>A on the coding strand, the complement: PKHD1 is on the minus strand). VCF-style: chr6-51753353-C-T. GRCh37 (hg19) VCF-style: chr6-51618151-C-T.
Other names: c.8798G>A, p.Gly2933Glu (NM_170724.3); short protein forms G2933E.
Identifiers: ClinVar variation 3370329 (VCV003370329.1).

ClinVar aggregate classification (germline): Uncertain significance (1 of 4 stars; one submission).

Conditions:
Polycystic kidney disease 4 (PKD4). Also called: POLYCYSTIC KIDNEY AND HEPATIC DISEASE 1; POLYCYSTIC KIDNEY DISEASE, INFANTILE, TYPE I; Autosomal Recessive Polycystic Kidney Disease – PKHD1; POLYCYSTIC KIDNEY DISEASE 4 WITH OR WITHOUT POLYCYSTIC LIVER DISEASE; PKD3. Identifiers: MedGen C4540575, MONDO:0033004, OMIM 263200.

Submission:

MVZ Medizinische Genetik Mainz
Classification: Uncertain significance for Polycystic kidney disease 4. Last evaluated: 2024-10-11. Review status: criteria provided, single submitter. Criteria: UK Practice Guidelines For Variant Classification V4 01 2020. Collection method: clinical testing. Allele origin: germline. Inheritance: Autosomal recessive inheritance. Affected: yes. Observed: 1 variant allele.
Comment: ACMG Criteria: PM2_SUP,PM3_SUP,PP3,PP4